The following is an entry in ClinVar:

NM_007118.4(TRIO):c.4774G>A (p.Glu1592Lys)

Gene: TRIO (trio Rho guanine nucleotide exchange factor; plus strand). Cytogenetic location: 5p15.2.
Variant type: single nucleotide variant.
Coding change: c.4774G>A on transcript NM_007118.4 (MANE Select); coding-DNA position 4774, G replaced by A.
Protein change: p.Glu1592Lys; replaces glutamic acid 1592 with lysine.
Molecular consequence: missense variant. On other transcripts: non-coding transcript variant (1).
Genome position (GRCh38, 1-based): chr5:14,405,905, G>A. VCF-style: chr5-14405905-G-A. GRCh37 (hg19) VCF-style: chr5-14406014-G-A.
Other names: short protein forms E1592K.
Identifiers: ClinVar variation 2632514 (VCV002632514.1), dbSNP rs2533042732, ClinGen allele CA359197710.

ClinVar aggregate classification (germline): Likely pathogenic (1 of 4 stars; one submission).

Conditions:
TRIO-related disorder. Also called: TRIO-related condition; TRIO-related disorders.

Submission:

PreventionGenetics, part of Exact Sciences
Classification: Likely pathogenic for TRIO-related condition. Last evaluated: 2023-07-31. Review status: criteria provided, single submitter. Criteria: ACMG Guidelines, 2015. Collection method: clinical testing. Allele origin: germline.
Comment: The TRIO c.4774G>A variant is predicted to result in the amino acid substitution p.Glu1592Lys. To our knowledge, this variant has not been reported in the literature or in a large population database, indicating this variant is rare. This variant is interpreted as likely pathogenic.